The following is an entry in ClinVar:

NM_000977.4(RPL13):c.478-1G>C

Gene: RPL13 (ribosomal protein L13; plus strand). Cytogenetic location: 16q24.3.
Variant type: single nucleotide variant.
Coding change: c.478-1G>C on transcript NM_000977.4 (MANE Select); the canonical splice acceptor site of the intron before coding-DNA position 478, G replaced by C.
Molecular consequence: splice acceptor variant.
Genome position (GRCh38, 1-based): chr16:89,562,883, G>C. VCF-style: chr16-89562883-G-C. GRCh37 (hg19) VCF-style: chr16-89629291-G-C.
Other names: c.337-1G>C (NM_001243131.1); c.478-1G>C (NM_033251.2).
Identifiers: ClinVar variation 4888094 (VCV004888094.1).

ClinVar aggregate classification (germline): Uncertain significance (1 of 4 stars; one submission).

Submission:

GeneDx
Classification: Uncertain significance. Last evaluated: 2026-01-25. Review status: criteria provided, single submitter. Criteria: GeneDx Variant Classification Process June 2021. Collection method: clinical testing. Allele origin: germline.
Comment: Not observed at significant frequency in large population cohorts (gnomAD); Canonical splice site variant with an unclear effect on protein function; Has not been previously published as pathogenic or benign to our knowledge